The following is an entry in ClinVar:

ClinVar aggregate classification (germline): Uncertain significance. Review status: criteria provided, multiple submitters, no conflicts (2 of 4 stars). 2 submissions from 2 submitters: Uncertain significance (2). Last evaluated 2023-12-31.

Conditions:
Cerebroretinal microangiopathy with calcifications and cysts 1 (CRMCC1). Identifiers: Orphanet 313838, MedGen C4552029, MONDO:0024564, OMIM 612199.
Dyskeratosis congenita. Identifiers: Orphanet 1775, MedGen C0265965, MONDO:0015780.

Allele frequency attached by ClinVar (database versions not stated): gnomAD exomes below 0.00001; TOPMed below 0.00001.
gnomAD v4.1: 1 of 1,614,198 alleles (0.000062%); highest among the groups gnomAD compares: Admixed American, 0.0017%; no homozygotes.

Submissions (2):

Fulgent Genetics
Classification: Uncertain significance for Cerebroretinal microangiopathy with calcifications and cysts 1. Last evaluated: 2023-12-31. Review status: criteria provided, single submitter. Criteria: ACMG Guidelines, 2015. Collection method: clinical testing. Allele origin: germline.

Labcorp Genetics (formerly Invitae), Labcorp
Classification: Uncertain significance for Dyskeratosis congenita. Last evaluated: 2022-11-15. Review status: criteria provided, single submitter. Criteria: Invitae Variant Classification Sherloc (09022015). Collection method: clinical testing. Allele origin: germline.
Comment: This variant has not been reported in the literature in individuals affected with CTC1-related conditions. This variant is not present in population databases (gnomAD no frequency). This sequence change replaces alanine, which is neutral and non-polar, with valine, which is neutral and non-polar, at codon 1044 of the CTC1 protein (p.Ala1044Val). ClinVar contains an entry for this variant (Variation ID: 1402956). In summary, the available evidence is currently insufficient to determine the role of this variant in disease. Therefore, it has been classified as a Variant of Uncertain Significance. Advanced modeling of protein sequence and biophysical properties (such as structural, functional, and spatial information, amino acid conservation, physicochemical variation, residue mobility, and thermodynamic stability) has been performed at Invitae for this missense variant, however the output from this modeling did not meet the statistical confidence thresholds required to predict the impact of this variant on CTC1 protein function.

NM_025099.6(CTC1):c.3131C>T (p.Ala1044Val)

Gene: CTC1 (CST telomere replication complex component 1; minus strand). Cytogenetic location: 17p13.1.
Variant type: single nucleotide variant.
Coding change: c.3131C>T on transcript NM_025099.6 (MANE Select); coding-DNA position 3131, C replaced by T.
Protein change: p.Ala1044Val; replaces alanine 1044 with valine.
Molecular consequence: missense variant. On other transcripts: non-coding transcript variant (1).
Genome position (GRCh38, 1-based): chr17:8,229,327, G>A on the plus strand (C>T on the coding strand, the complement: CTC1 is on the minus strand). VCF-style: chr17-8229327-G-A. GRCh37 (hg19) VCF-style: chr17-8132645-G-A.
Other names: short protein forms A1044V.
Identifiers: ClinVar variation 1402956 (VCV001402956.8), dbSNP rs1987009040, ClinGen allele CA397971471.
Genomic context (GRCh38, chr17:8,229,327, plus strand): 5'-CATACTCAGTTCAGCCTGTTCCTTCCCTCCCTTACCTGCCGGCAGATGCTGGTACAATAA[G>A]CACACACCCAGAAGAGCTGAAGGCTGAAGACAGAGACGATATGGCAAGAGGCAGTGGCCT-3'
Protein context (NP_079375.3, residues 1034-1054): VFSLQLFWVC[Ala1044Val]YCTSICRQGK